The following is an entry in ClinVar:

ClinVar aggregate classification (germline): Conflicting classifications of pathogenicity. Review status: criteria provided, conflicting classifications (1 of 4 stars). 4 submissions from 4 submitters: Uncertain significance (1); Likely benign (2). 1 of the submissions does not count toward it. Last evaluated 2023-01-01.

Conditions:
Kidney failure. Identifiers: MedGen C0035078, MONDO:0001106.
Polycystic kidney disease. Also called: Kidney, Polycystic; Polycystic kidney dysplasia. Identifiers: MedGen C0022680, MeSH D007690, MONDO:0020642, HP:0000113.

Allele frequency attached by ClinVar (database versions not stated): gnomAD 0.00057 and 0.00061; 1000 Genomes Project 30x 0.00062; TOPMed 0.00082; gnomAD exomes 0.00015; ExAC 0.00033; 1000 Genomes Project 0.00040.
gnomAD v4.1: 350 of 1,517,210 alleles (0.023%); highest among the groups gnomAD compares: Admixed American, 0.093%; 1 homozygote.

Submissions (4):

CeGaT Center for Human Genetics Tuebingen
Classification: Likely benign. Last evaluated: 2023-01-01. Review status: criteria provided, single submitter. Criteria: CeGaT Center For Human Genetics Tuebingen Variant Classification Criteria Version 2. Collection method: clinical testing. Allele origin: germline. Affected: yes. Observed: 2 variant alleles.
Comment: PKD1: BP4

Cambridge Genomics Laboratory, East Genomic Laboratory Hub, NHS Genomic Medicine Service
Classification: Uncertain significance for Kidney failure. Last evaluated: 2020-01-14. Review status: criteria provided, single submitter. Criteria: ACGS Best Practice Guidelines for Variant Classification in Rare Disease 2020. Collection method: clinical testing. Allele origin: germline. Affected: yes. Observed: 1 variant allele.

PreventionGenetics, part of Exact Sciences
Classification: Likely benign. Review status: criteria provided, single submitter. Criteria: ACMG Guidelines, 2015. Collection method: clinical testing. Allele origin: germline.

Department of Pathology and Laboratory Medicine, Sinai Health System
Classification: Uncertain significance for Polycystic Kidney disease. Review status: no assertion criteria provided. Collection method: clinical testing. Allele origin: unknown. Affected: yes. Study: The Canadian Open Genetics Repository (COGR). Not counted in ClinVar's aggregate classification.
Comment: The PKD1 c.8161+5C>T variant was not identified in the literature nor was it identified in GeneInsight-COGR, LOVD 3.0, ADPKD Mutation Database or PKD1-LOVD. The variant was identified in dbSNP (ID: rs534696523) â€šÃ„ÃºWith Likely benign alleleâ€šÃ„Ã¹, ClinVar (classified likely benign by Prevention Genetics), and in control databases in 34 of 174976 chromosomes at a frequency of 0.0002, increasing the likelihood this could be a low frequency benign variant (Genome Aggregation Database Feb 27, 2017). Breakdown of the observations by population include African in 6 of 15076 chromosomes (freq: 0.0004), Latino in 4 of 25344 chromosomes (freq: 0.0002), European Non-Finnish in 17 of 71256 chromosomes (freq: 0.0002), Ashkenazi Jewish in 5 of 8382 chromosomes (freq: 0.0006), East Asian in 1 of 12724 chromosomes (freq: 0.00008), and South Asian in 1 of 23284 chromosomes (freq: 0.00004), while not observed in the Other and European Finnish populations. In addition we cannot be certain that data from control databases is specific to PKD1 and not from one of the six PKD1 pseudogenes. The c.8161+5C>T variant is located in the 5' splice region but does not affect the invariant +1 and +2 positions. Positions +3 to +6 are part of the splicing consensus sequence and variants involving these positions sometimes affect splicing; however, in silico or computational prediction software programs (SpliceSiteFinder, MaxEntScan, NNSPLICE, GeneSplicer, HumanSpliceFinder) do not predict a difference in splicing for the variant. In summary, based on the above information the clinical significance of this variant cannot be determined with certainty at this time. This variant is classified as a variant of uncertain significance.

NM_001009944.3(PKD1):c.8161+5C>T

Gene: PKD1 (polycystin 1, transient receptor potential channel interacting; minus strand). Cytogenetic location: 16p13.3.
Variant type: single nucleotide variant.
Coding change: c.8161+5C>T on transcript NM_001009944.3 (MANE Select); 5 bases into the intron after coding-DNA position 8161, C replaced by T.
Molecular consequence: intron variant.
Genome position (GRCh38, 1-based): chr16:2,104,493, G>A on the plus strand (C>T on the coding strand, the complement: PKD1 is on the minus strand). VCF-style: chr16-2104493-G-A. GRCh37 (hg19) VCF-style: chr16-2154494-G-A.
Other names: c.8161+5C>T (NM_000296.4).
Identifiers: ClinVar variation 257013 (VCV000257013.46), dbSNP rs534696523, ClinGen allele CA7830704.